The following is an entry in ClinVar:

ClinVar aggregate classification (germline): Uncertain significance (1 of 4 stars; one submission).

Conditions:
Distal hereditary motor neuropathy type 2. Identifiers: Orphanet 139525, MedGen C3711384, MeSH C580044, MONDO:0015352.

Allele frequency attached by ClinVar (database versions not stated): gnomAD exomes below 0.00001.
gnomAD v4.1: 2 of 1,612,790 alleles (0.00012%); highest among the groups gnomAD compares: Non-Finnish European, 0.000085%; no homozygotes.

Submission:

Labcorp Genetics (formerly Invitae), Labcorp
Classification: Uncertain significance for Distal hereditary motor neuropathy type 2. Last evaluated: 2019-04-03. Review status: criteria provided, single submitter. Criteria: Invitae Variant Classification Sherloc (09022015). Collection method: clinical testing. Allele origin: germline.
Comment: In summary, the available evidence is currently insufficient to determine the role of this variant in disease. Therefore, it has been classified as a Variant of Uncertain Significance. Algorithms developed to predict the effect of missense changes on protein structure and function are either unavailable or do not agree on the potential impact of this missense change (SIFT: "Deleterious"; PolyPhen-2: "Probably Damaging"; Align-GVGD: "Class C0"). This variant has not been reported in the literature in individuals with FBXO38-related conditions. This variant is not present in population databases (ExAC no frequency). This sequence change replaces valine with glycine at codon 309 of the FBXO38 protein (p.Val309Gly). The valine residue is moderately conserved and there is a moderate physicochemical difference between valine and glycine.

NM_205836.3(FBXO38):c.926T>G (p.Val309Gly)

Gene: FBXO38 (F-box protein 38; plus strand). Cytogenetic location: 5q32.
Variant type: single nucleotide variant.
Coding change: c.926T>G on transcript NM_205836.3 (MANE Select); coding-DNA position 926, T replaced by G.
Protein change: p.Val309Gly; replaces valine 309 with glycine.
Molecular consequence: missense variant.
Genome position (GRCh38, 1-based): chr5:148,409,181, T>G. VCF-style: chr5-148409181-T-G. GRCh37 (hg19) VCF-style: chr5-147788744-T-G.
Other names: c.926T>G, p.Val309Gly (NM_001271723.2, NM_030793.5); short protein forms V309G.
Identifiers: ClinVar variation 855073 (VCV000855073.11), dbSNP rs1752606337, ClinGen allele CA361657164.